The following is an entry in ClinVar:

ClinVar aggregate classification (germline): Uncertain significance (1 of 4 stars; one submission).

Submission:

CeGaT Center for Human Genetics Tuebingen
Classification: Uncertain significance. Last evaluated: 2025-02-01. Review status: criteria provided, single submitter. Criteria: CeGaT Center For Human Genetics Tuebingen Variant Classification Criteria Version 2. Collection method: clinical testing. Allele origin: germline. Affected: yes. Observed: 1 variant allele.
Comment: KDM5A: PM2, BP4

NM_001042603.3(KDM5A):c.4234+7C>A

Gene: KDM5A (lysine demethylase 5A; minus strand). Cytogenetic location: 12p13.33.
Variant type: single nucleotide variant.
Coding change: c.4234+7C>A on transcript NM_001042603.3 (MANE Select); 7 bases into the intron after coding-DNA position 4234, C replaced by A.
Molecular consequence: intron variant.
Genome position (GRCh38, 1-based): chr12:297,034, G>T on the plus strand (C>A on the coding strand, the complement: KDM5A is on the minus strand). VCF-style: chr12-297034-G-T. GRCh37 (hg19) VCF-style: chr12-406200-G-T.
Identifiers: ClinVar variation 3771824 (VCV003771824.13).